The following is an entry in ClinVar:

ClinVar aggregate classification (germline): Uncertain significance (1 of 4 stars; one submission).

Conditions:
Cystic fibrosis (CF). Also called: MUCOVISCIDOSIS. Identifiers: Orphanet 586, MedGen C0010674, MONDO:0009061, OMIM 219700. Disease mechanism: loss of function.

Allele frequency attached by ClinVar (database versions not stated): gnomAD exomes below 0.00001; ExAC 0.00001.
gnomAD v4.1: 1 of 1,613,254 alleles (0.000062%); highest among the groups gnomAD compares: Non-Finnish European, 0.000085%; no homozygotes.

Submission:

Ambry Genetics
Classification: Uncertain significance for Cystic fibrosis. Last evaluated: 2023-06-30. Review status: criteria provided, single submitter. Criteria: Ambry Variant Classification Scheme 2023. Collection method: clinical testing. Allele origin: germline.
Comment: The p.I371M variant (also known as c.1113A>G), located in coding exon 8 of the CFTR gene, results from an A to G substitution at nucleotide position 1113. The isoleucine at codon 371 is replaced by methionine, an amino acid with highly similar properties. This amino acid position is conserved. In addition, this alteration is predicted to be deleterious by in silico analysis. Since supporting evidence is limited at this time, the clinical significance of this alteration remains unclear.

NM_000492.4(CFTR):c.1113A>G (p.Ile371Met)

Gene: CFTR (CF transmembrane conductance regulator; plus strand). Cytogenetic location: 7q31.2.
Variant type: single nucleotide variant.
Coding change: c.1113A>G on transcript NM_000492.4 (MANE Select); coding-DNA position 1113, A replaced by G.
Protein change: p.Ile371Met; replaces isoleucine 371 with methionine.
Molecular consequence: missense variant.
Genome position (GRCh38, 1-based): chr7:117,540,343, A>G. VCF-style: chr7-117540343-A-G. GRCh37 (hg19) VCF-style: chr7-117180397-A-G.
Other names: short protein forms I371M.
Identifiers: ClinVar variation 2624961 (VCV002624961.2), dbSNP rs769711210, ClinGen allele CA4450890.